The following is an entry in ClinVar:

ClinVar aggregate classification (germline): Uncertain significance (1 of 4 stars; one submission).

Submission:

Labcorp Genetics (formerly Invitae), Labcorp
Classification: Uncertain significance. Last evaluated: 2023-12-23. Review status: criteria provided, single submitter. Criteria: Invitae Variant Classification Sherloc (09022015). Collection method: clinical testing. Allele origin: germline.
Comment: This sequence change replaces lysine, which is basic and polar, with asparagine, which is neutral and polar, at codon 619 of the TCF3 protein (p.Lys619Asn). This variant is not present in population databases (gnomAD no frequency). This variant has not been reported in the literature in individuals affected with TCF3-related conditions. Advanced modeling of protein sequence and biophysical properties (such as structural, functional, and spatial information, amino acid conservation, physicochemical variation, residue mobility, and thermodynamic stability) performed at Invitae indicates that this missense variant is expected to disrupt TCF3 protein function with a positive predictive value of 80%. In summary, the available evidence is currently insufficient to determine the role of this variant in disease. Therefore, it has been classified as a Variant of Uncertain Significance.

NM_003200.5(TCF3):c.1857A>C (p.Lys619Asn)

Gene: TCF3 (transcription factor 3; minus strand). Cytogenetic location: 19p13.3.
Variant type: single nucleotide variant.
Coding change: c.1857A>C on transcript NM_003200.5 (MANE Select); coding-DNA position 1857, A replaced by C.
Protein change: p.Lys619Asn; replaces lysine 619 with asparagine.
Molecular consequence: missense variant.
Genome position (GRCh38, 1-based): chr19:1,611,815, T>G on the plus strand (A>C on the coding strand, the complement: TCF3 is on the minus strand). VCF-style: chr19-1611815-T-G. GRCh37 (hg19) VCF-style: chr19-1611814-T-G.
Other names: c.1848A>C, p.Lys616Asn (NM_001136139.4, NM_001351779.2); c.1854A>C, p.Lys618Asn (NM_001351778.2); short protein forms K618N, K619N, K616N.
Identifiers: ClinVar variation 2804204 (VCV002804204.3), dbSNP rs2513091004, ClinGen allele CA403048210.